The following is an entry in ClinVar:

ClinVar aggregate classification (germline): Uncertain significance. Review status: criteria provided, multiple submitters, no conflicts (2 of 4 stars). 2 submissions from 2 submitters: Uncertain significance (2). Last evaluated 2024-07-24.

Conditions:
Inborn genetic diseases. Identifiers: MedGen C0950123, MeSH D030342.

Allele frequency attached by ClinVar (database versions not stated): gnomAD exomes 0.00001.
gnomAD v4.1: 9 of 1,613,060 alleles (0.00056%); highest among the groups gnomAD compares: East Asian, 0.0045%; no homozygotes.

Submissions (2):

Labcorp Genetics (formerly Invitae), Labcorp
Classification: Uncertain significance. Last evaluated: 2024-07-24. Review status: criteria provided, single submitter. Criteria: Invitae Variant Classification Sherloc (09022015). Collection method: clinical testing. Allele origin: germline.
Comment: This sequence change replaces serine, which is neutral and polar, with arginine, which is basic and polar, at codon 1438 of the CACNA1E protein (p.Ser1438Arg). This variant is not present in population databases (gnomAD no frequency). This variant has not been reported in the literature in individuals affected with CACNA1E-related conditions. Advanced modeling of protein sequence and biophysical properties (such as structural, functional, and spatial information, amino acid conservation, physicochemical variation, residue mobility, and thermodynamic stability) has been performed at Invitae for this missense variant, however the output from this modeling did not meet the statistical confidence thresholds required to predict the impact of this variant on CACNA1E protein function. In summary, the available evidence is currently insufficient to determine the role of this variant in disease. Therefore, it has been classified as a Variant of Uncertain Significance.

Ambry Genetics
Classification: Uncertain significance for Inborn genetic diseases. Last evaluated: 2024-02-13. Review status: criteria provided, single submitter. Criteria: Ambry Variant Classification Scheme 2023. Collection method: clinical testing. Allele origin: germline.

NM_001205293.3(CACNA1E):c.4314C>G (p.Ser1438Arg)

Gene: CACNA1E (calcium voltage-gated channel subunit alpha1 E; plus strand). Cytogenetic location: 1q25.3.
Variant type: single nucleotide variant.
Coding change: c.4314C>G on transcript NM_001205293.3 (MANE Select); coding-DNA position 4314, C replaced by G.
Protein change: p.Ser1438Arg; replaces serine 1438 with arginine.
Molecular consequence: missense variant.
Genome position (GRCh38, 1-based): chr1:181,757,111, C>G. VCF-style: chr1-181757111-C-G. GRCh37 (hg19) VCF-style: chr1-181726247-C-G.
Other names: c.4314C>G, p.Ser1438Arg (NM_000721.4); c.4257C>G, p.Ser1419Arg (NM_001205294.2); short protein forms S1438R, S1419R.
Identifiers: ClinVar variation 3136334 (VCV003136334.3), dbSNP rs2102689827, ClinGen allele CA343624578.